The following is an entry in ClinVar:

NM_003238.6(TGFB2):c.424T>C (p.Ser142Pro)

Gene: TGFB2 (transforming growth factor beta 2; plus strand). Cytogenetic location: 1q41.
Variant type: single nucleotide variant.
Coding change: c.424T>C on transcript NM_003238.6 (MANE Select); coding-DNA position 424, T replaced by C.
Protein change: p.Ser142Pro; replaces serine 142 with proline.
Molecular consequence: missense variant. On other transcripts: non-coding transcript variant (2).
Genome position (GRCh38, 1-based): chr1:218,405,246, T>C. VCF-style: chr1-218405246-T-C. GRCh37 (hg19) VCF-style: chr1-218578588-T-C.
Other names: c.508T>C, p.Ser170Pro (NM_001135599.4); short protein forms S142P, S170P.
Identifiers: ClinVar variation 5030812 (VCV005030812.1).

ClinVar aggregate classification (germline): Uncertain significance (1 of 4 stars; one submission).

Conditions:
Familial thoracic aortic aneurysm and aortic dissection (TAAD). Also called: Thoracic aortic aneurysms and dissections. Identifiers: Orphanet 91387, MedGen C4707243, MONDO:0019625.

Submission:

Ambry Genetics
Classification: Uncertain significance for Familial thoracic aortic aneurysm and aortic dissection. Last evaluated: 2026-08-16. Review status: criteria provided, single submitter. Criteria: Ambry Variant Classification Scheme 2023. Collection method: clinical testing. Allele origin: germline.
Comment: The p.S142P variant (also known as c.424T>C), located in coding exon 2 of the TGFB2 gene, results from a T to C substitution at nucleotide position 424. The serine at codon 142 is replaced by proline, an amino acid with similar properties. This amino acid position is conserved. In addition, this alteration is predicted to be deleterious by in silico analysis. Based on the available evidence, the clinical significance of this variant remains unclear.